The following is an entry in ClinVar:

NM_182692.3(SRPK2):c.141T>A (p.Pro47=)

Gene: SRPK2 (SRSF protein kinase 2; minus strand). Cytogenetic location: 7q22.3.
Variant type: single nucleotide variant.
Coding change: c.141T>A on transcript NM_182692.3 (MANE Select); coding-DNA position 141, T replaced by A.
Protein change: p.Pro47=; no amino-acid change (proline 47 retained).
Molecular consequence: synonymous variant.
Genome position (GRCh38, 1-based): chr7:105,203,716, A>T on the plus strand (T>A on the coding strand, the complement: SRPK2 is on the minus strand). VCF-style: chr7-105203716-A-T. GRCh37 (hg19) VCF-style: chr7-104844163-A-T.
Other names: c.108T>A, p.Pro36= (NM_001278273.2, NM_001350738.2, NM_001350739.2 and 4 more transcripts); c.252T>A, p.Pro84= (NM_001350740.2); c.141T>A, p.Pro47= (NM_001350741.2); c.219T>A, p.Pro73= (NM_001350742.2, NM_001350746.2).
Identifiers: ClinVar variation 792349 (VCV000792349.6), dbSNP rs1380771554, ClinGen allele CA457044412.

ClinVar aggregate classification (germline): Likely benign. Review status: criteria provided, single submitter (1 of 4 stars). 2 submissions from 2 submitters: Likely benign (1). 1 of the submissions does not count toward it. Last evaluated 2019-12-31.

Conditions:
SRPK2-related disorder. Also called: SRPK2-related condition.

Submissions (2):

Labcorp Genetics (formerly Invitae), Labcorp
Classification: Likely benign. Last evaluated: 2019-12-31. Review status: criteria provided, single submitter. Criteria: Invitae Variant Classification Sherloc (09022015). Collection method: clinical testing. Allele origin: germline.

PreventionGenetics, part of Exact Sciences
Classification: Likely benign for SRPK2-related condition. Last evaluated: 2019-04-17. Review status: no assertion criteria provided. Collection method: clinical testing. Allele origin: germline. Not counted in ClinVar's aggregate classification.
Comment: This variant is classified as likely benign based on ACMG/AMP sequence variant interpretation guidelines (Richards et al. 2015 PMID: 25741868, with internal and published modifications).